The following is an entry in ClinVar:

ClinVar aggregate classification (germline): Uncertain significance. Review status: criteria provided, multiple submitters, no conflicts (2 of 4 stars). 2 submissions from 2 submitters: Uncertain significance (2). Last evaluated 2024-06-09.

Allele frequency attached by ClinVar (database versions not stated): gnomAD exomes 0.00001.
gnomAD v4.1: 3 of 1,610,592 alleles (0.00019%); highest among the groups gnomAD compares: Non-Finnish European, 0.00025%; no homozygotes.

Submissions (2):

Labcorp Genetics (formerly Invitae), Labcorp
Classification: Uncertain significance. Last evaluated: 2024-06-09. Review status: criteria provided, single submitter. Criteria: Invitae Variant Classification Sherloc (09022015). Collection method: clinical testing. Allele origin: germline.
Comment: This sequence change replaces phenylalanine, which is neutral and non-polar, with serine, which is neutral and polar, at codon 1019 of the BUB1 protein (p.Phe1019Ser). This variant is not present in population databases (gnomAD no frequency). This variant has not been reported in the literature in individuals affected with BUB1-related conditions. ClinVar contains an entry for this variant (Variation ID: 1799306). Experimental studies and prediction algorithms are not available or were not evaluated, and the functional significance of this variant is currently unknown. In summary, the available evidence is currently insufficient to determine the role of this variant in disease. Therefore, it has been classified as a Variant of Uncertain Significance.

Ambry Genetics
Classification: Uncertain significance. Last evaluated: 2024-03-28. Review status: criteria provided, single submitter. Criteria: Ambry Variant Classification Scheme 2023. Collection method: clinical testing. Allele origin: germline.
Comment: The p.F1019S variant (also known as c.3056T>C), located in coding exon 24 of the BUB1 gene, results from a T to C substitution at nucleotide position 3056. The phenylalanine at codon 1019 is replaced by serine, an amino acid with highly dissimilar properties. This amino acid position is conserved. In addition, the in silico prediction for this alteration is inconclusive. Since supporting evidence is limited at this time, the clinical significance of this alteration remains unclear.

NM_004336.5(BUB1):c.3056T>C (p.Phe1019Ser)

Gene: BUB1 (BUB1 mitotic checkpoint serine/threonine kinase; minus strand). Cytogenetic location: 2q13.
Variant type: single nucleotide variant.
Coding change: c.3056T>C on transcript NM_004336.5 (MANE Select); coding-DNA position 3056, T replaced by C.
Protein change: p.Phe1019Ser; replaces phenylalanine 1019 with serine.
Molecular consequence: missense variant.
Genome position (GRCh38, 1-based): chr2:110,639,748, A>G on the plus strand (T>C on the coding strand, the complement: BUB1 is on the minus strand). VCF-style: chr2-110639748-A-G. GRCh37 (hg19) VCF-style: chr2-111397325-A-G.
Other names: c.2885T>C, p.Phe962Ser (NM_001278617.2); c.2996T>C, p.Phe999Ser (NM_001278616.2); short protein forms F999S, F1019S, F962S.
Identifiers: ClinVar variation 1799306 (VCV001799306.4), dbSNP rs2467966977, ClinGen allele CA348088673.
Genomic context (GRCh38, chr2:110,639,748, plus strand): 5'-AACATTCTACTTTAGTTATTCTCTTTTCACTACAGCACCAATGCTAATACTCACCTTCTA[A>G]AAAGACCTTCAGGCTTACACTCTCCTCCTTCATTTTTCACTTTCATGTAAGTGCCAAAGA-3'
Protein context (NP_004327.1, residues 1009-1029): EGGECKPEGL[Phe1019Ser]RRLPHLDMWN